The following is an entry in ClinVar:

ClinVar aggregate classification (germline): Uncertain significance (1 of 4 stars; one submission).

Conditions:
Glycogen storage disease IXd (GSD9D). Also called: Muscle Phosphorylase Kinase Deficiency; GSD IXd. Identifiers: Orphanet 715, MedGen C1845151, MONDO:0010362, OMIM 300559.

Allele frequency attached by ClinVar (database versions not stated): gnomAD exomes below 0.00001.
gnomAD v4.1: 4 of 1,210,718 alleles (0.00033%); highest among the groups gnomAD compares: Admixed American, 0.0022%; no homozygotes.

Submission:

Labcorp Genetics (formerly Invitae), Labcorp
Classification: Uncertain significance for Glycogen storage disease IXd. Last evaluated: 2025-05-08. Review status: criteria provided, single submitter. Criteria: Invitae Variant Classification Sherloc (09022015). Collection method: clinical testing. Allele origin: germline.
Comment: This sequence change replaces proline, which is neutral and non-polar, with threonine, which is neutral and polar, at codon 679 of the PHKA1 protein (p.Pro679Thr). This variant is not present in population databases (gnomAD no frequency). This variant has not been reported in the literature in individuals affected with PHKA1-related conditions. ClinVar contains an entry for this variant (Variation ID: 1979048). Invitae Evidence Modeling of protein sequence and biophysical properties (such as structural, functional, and spatial information, amino acid conservation, physicochemical variation, residue mobility, and thermodynamic stability) indicates that this missense variant is not expected to disrupt PHKA1 protein function with a negative predictive value of 80%. In summary, the available evidence is currently insufficient to determine the role of this variant in disease. Therefore, it has been classified as a Variant of Uncertain Significance.

NM_002637.4(PHKA1):c.2035C>A (p.Pro679Thr)

Gene: PHKA1 (phosphorylase kinase regulatory subunit alpha 1; minus strand). Cytogenetic location: Xq13.1.
Variant type: single nucleotide variant.
Coding change: c.2035C>A on transcript NM_002637.4 (MANE Select); coding-DNA position 2035, C replaced by A.
Protein change: p.Pro679Thr; replaces proline 679 with threonine.
Molecular consequence: missense variant. On other transcripts: intron variant (1).
Genome position (GRCh38, 1-based): chrX:72,620,827, G>T on the plus strand (C>A on the coding strand, the complement: PHKA1 is on the minus strand). VCF-style: chrX-72620827-G-T. GRCh37 (hg19) VCF-style: chrX-71840677-G-T.
Other names: c.2035C>A, p.Pro679Thr (NM_001122670.2); c.1961-1522C>A (NM_001172436.2); short protein forms P679T.
Identifiers: ClinVar variation 1979048 (VCV001979048.4), dbSNP rs2522486195, ClinGen allele CA413591106.